The following is an entry in ClinVar:

ClinVar aggregate classification (germline): Likely pathogenic (1 of 4 stars; one submission).

Conditions:
Hypertrophic cardiomyopathy 4. Also called: Familial hypertrophic cardiomyopathy 4. Identifiers: MedGen C1861862, MONDO:0007268, OMIM 115197.

Submission:

Laboratory of Medical Genetics, National & Kapodistrian University of Athens
Classification: Likely pathogenic for Hypertrophic cardiomyopathy 4. Last evaluated: 2023-10-05. Review status: criteria provided, single submitter. Criteria: ACMG Guidelines, 2015. Collection method: clinical testing. Allele origin: germline. Affected: yes.
Comment: PM1, PM2, PM4, PP4 - Low frequency in gnomAD population databases. Multiple affeted individuals in the family with the same variant.

NM_000256.3(MYBPC3):c.3784_3795del (p.Ala1262_Glu1265del)

Gene: MYBPC3 (myosin binding protein C3; minus strand). Cytogenetic location: 11p11.2.
Variant type: Deletion.
Coding change: c.3784_3795del on transcript NM_000256.3 (MANE Select); coding-DNA positions 3784 to 3795, 12 bases deleted (GCACGGTGTGAG).
Protein change: p.Ala1262_Glu1265del.
Molecular consequence: inframe deletion.
Genome position (GRCh38, 1-based): chr11:47,332,091-47,332,102, CTCACACCGTGC deleted on the plus strand (GCACGGTGTGAG on the coding strand, the reverse complement: MYBPC3 is on the minus strand); deleting any 12 consecutive bases within chr11:47,332,091-47,332,105 gives the same sequence; the c. name uses the placement nearest the transcript's 3' end. VCF-style (leftmost placement, unchanged base first): chr11-47332090-ACTCACACCGTGC-A. GRCh37 (hg19) VCF-style: chr11-47353641-ACTCACACCGTGC-A.
Identifiers: ClinVar variation 3256566 (VCV003256566.1).
Genomic context (GRCh38, chr11:47,332,090, plus strand): 5'-GCTCTTCCCATCTCCCAGGCCCTGGCCCCGAGGGCTCCTCACCTCGCACCTCCAGGCGGC[ACTCACACCGTGC>A]CTCGCCCTGTAAGTTGGTGGCCCTGCAGACATAGATGCCCCCGTCAAAGGGGCAGGGCTT-3'